The following is an entry in ClinVar:

ClinVar aggregate classification (germline): Uncertain significance (1 of 4 stars; one submission).

Conditions:
Intellectual developmental disorder, autosomal dominant 65. Also called: MENTAL RETARDATION, AUTOSOMAL DOMINANT 65. Identifiers: MedGen C5543371, MONDO:0023657, OMIM 619320.

gnomAD v4.1: 1 of 1,613,426 alleles (0.000062%); highest among the groups gnomAD compares: Non-Finnish European, 0.000085%; no homozygotes.

Submission:

3billion
Classification: Uncertain significance for Intellectual developmental disorder, autosomal dominant 65. Last evaluated: 2025-07-24. Review status: criteria provided, single submitter. Criteria: ACMG Guidelines, 2015. Collection method: clinical testing. Allele origin: germline. Affected: yes.
Comment: The variant is observed at an extremely low frequency in the gnomAD v4.1.0 dataset (total allele frequency: <0.001%). Predicted Consequence/Location: Missense variant. Missense changes are a common disease-causing mechanism. In silico tool predictions suggest damaging effect of the variant on gene or gene product [REVEL: 0.67 (>=0.6, sensitivity 0.68 and specificity 0.92)]. Different missense changes at the same codon have been reported as of uncertain significance (ClinVar ID: VCV003602829). Therefore, this variant is classified as VUS according to the recommendation of ACMG/AMP guideline.

NM_015015.3(KDM4B):c.655C>T (p.Arg219Cys)

Gene: KDM4B (lysine demethylase 4B; plus strand). Cytogenetic location: 19p13.3.
Variant type: single nucleotide variant.
Coding change: c.655C>T on transcript NM_015015.3 (MANE Select); coding-DNA position 655, C replaced by T.
Protein change: p.Arg219Cys; replaces arginine 219 with cysteine.
Molecular consequence: missense variant.
Genome position (GRCh38, 1-based): chr19:5,071,038, C>T. VCF-style: chr19-5071038-C-T. GRCh37 (hg19) VCF-style: chr19-5071049-C-T.
Other names: c.655C>T, p.Arg219Cys (NM_001370093.1, NM_001370094.1, NM_001411148.1); short protein forms R219C.
Identifiers: ClinVar variation 4854802 (VCV004854802.1).
Genomic context (GRCh38, chr19:5,071,038, plus strand): 5'-CTTGCCTCTGACGTGCCTCCCTTCTCTCGCAGGTACGCCATCCCACCAGAGCACGGCAAG[C>T]GCCTGGAGCGGCTGGCCATCGGTAGGTGCCTGCCCTGAGGGCCCCAGGGACCTGGGACCA-3'
Protein context (NP_055830.1, residues 209-229): WYAIPPEHGK[Arg219Cys]LERLAIGFFP